The following is an entry in ClinVar:

NM_000465.4(BARD1):c.1219G>A (p.Val407Met)

Gene: BARD1 (BRCA1 associated RING domain 1; minus strand). Cytogenetic location: 2q35.
Variant type: single nucleotide variant.
Coding change: c.1219G>A on transcript NM_000465.4 (MANE Select); coding-DNA position 1219, G replaced by A.
Protein change: p.Val407Met; replaces valine 407 with methionine.
Molecular consequence: missense variant. On other transcripts: non-coding transcript variant (2), intron variant (3).
Genome position (GRCh38, 1-based): chr2:214,780,655, C>T on the plus strand (G>A on the coding strand, the complement: BARD1 is on the minus strand). VCF-style: chr2-214780655-C-T. GRCh37 (hg19) VCF-style: chr2-215645379-C-T.
Other names: c.1162G>A, p.Val388Met (NM_001282543.2); c.159-28100G>A (NM_001282548.2); c.215+16406G>A (NM_001282545.2); c.364+11642G>A (NM_001282549.2); short protein forms V407M, V388M.
Identifiers: ClinVar variation 460695 (VCV000460695.10), dbSNP rs1553622168, ClinGen allele CA350453682.
Genomic context (GRCh38, chr2:214,780,655, plus strand): 5'-TATGATTTCTTTTCACAGCCATATTGGGCAACAGCTTCATTGCTGAGGGACTAGACATCA[C>T]TCGCCTGTAACTTGAACTACTTAATGTAGAAGGTGGTGTACCTGGTGAAAGACTAATGAA-3'
Protein context (NP_000456.2, residues 397-417): STLSSSSYRR[Val407Met]MSSPSAMKLL

ClinVar aggregate classification (germline): Conflicting classifications of pathogenicity. Review status: criteria provided, conflicting classifications (1 of 4 stars). 2 submissions from 2 submitters: Uncertain significance (1); Likely benign (1). Last evaluated 2023-07-08.

Conditions:
Hereditary cancer-predisposing syndrome. Also called: Neoplastic Syndromes, Hereditary; Tumor predisposition; Hereditary Cancer Syndrome; Hereditary neoplastic syndrome. Identifiers: Orphanet 140162, MedGen C0027672, MeSH D009386, MONDO:0015356.
Familial cancer of breast. Also called: BREAST CANCER, FAMILIAL; hereditary breast carcinoma; Hereditary breast cancer. Identifiers: Orphanet 227535, MedGen C0346153, MONDO:0016419, OMIM 114480. Disease mechanism: loss of function.

Submissions (2):

Labcorp Genetics (formerly Invitae), Labcorp
Classification: Uncertain significance for Familial cancer of breast. Last evaluated: 2023-07-08. Review status: criteria provided, single submitter. Criteria: Invitae Variant Classification Sherloc (09022015). Collection method: clinical testing. Allele origin: germline.
Comment: In summary, the available evidence is currently insufficient to determine the role of this variant in disease. Therefore, it has been classified as a Variant of Uncertain Significance. Algorithms developed to predict the effect of missense changes on protein structure and function output the following: SIFT: "Not Available"; PolyPhen-2: "Benign"; Align-GVGD: "Not Available". The methionine amino acid residue is found in multiple mammalian species, which suggests that this missense change does not adversely affect protein function. ClinVar contains an entry for this variant (Variation ID: 460695). This variant has not been reported in the literature in individuals affected with BARD1-related conditions. This variant is not present in population databases (gnomAD no frequency). This sequence change replaces valine, which is neutral and non-polar, with methionine, which is neutral and non-polar, at codon 407 of the BARD1 protein (p.Val407Met).

Ambry Genetics
Classification: Likely benign for Hereditary cancer-predisposing syndrome. Last evaluated: 2021-10-13. Review status: criteria provided, single submitter. Criteria: Ambry Variant Classification Scheme 2023. Collection method: clinical testing. Allele origin: germline.